The following is an entry in ClinVar:

ClinVar aggregate classification (germline): Uncertain significance (1 of 4 stars; one submission).

Conditions:
Hereditary sensory and autonomic neuropathy type 6. Also called: HSAN VI; Neuropathy, hereditary sensory and autonomic, type VI. Identifiers: Orphanet 314381, MedGen C3539003, MONDO:0013839, OMIM 614653.
Epidermolysis bullosa simplex 3, localized or generalized intermediate, with BP230 deficiency (EBS3). Also called: Epidermolysis bullosa simplex, autosomal recessive 2; Epidermolysis bullosa simplex due to BP230 deficiency. Identifiers: Orphanet 412181, MedGen C3809470, MONDO:0014180, OMIM 615425.

gnomAD v4.1: 10 of 1,614,162 alleles (0.00062%); highest among the groups gnomAD compares: South Asian, 0.011%; no homozygotes.

Submission:

Labcorp Genetics (formerly Invitae), Labcorp
Classification: Uncertain significance for Epidermolysis bullosa simplex 3, localized or generalized intermediate, with BP230 deficiency; Hereditary sensory and autonomic neuropathy type 6. Last evaluated: 2024-11-21. Review status: criteria provided, single submitter. Criteria: Invitae Variant Classification Sherloc (09022015). Collection method: clinical testing. Allele origin: germline.
Comment: This sequence change replaces threonine, which is neutral and polar, with isoleucine, which is neutral and non-polar, at codon 201 of the DST protein (p.Thr201Ile). This variant is present in population databases (rs556008632, gnomAD 0.006%). This variant has not been reported in the literature in individuals affected with DST-related conditions. An algorithm developed to predict the effect of missense changes on protein structure and function (PolyPhen-2) suggests that this variant is likely to be disruptive. In summary, the available evidence is currently insufficient to determine the role of this variant in disease. Therefore, it has been classified as a Variant of Uncertain Significance.

NM_001374736.1(DST):c.2213C>T (p.Thr738Ile)

Gene: DST (dystonin; minus strand). Cytogenetic location: 6p12.1.
Variant type: single nucleotide variant.
Coding change: c.2213C>T on transcript NM_001374736.1 (MANE Select); coding-DNA position 2213, C replaced by T.
Protein change: p.Thr738Ile; replaces threonine 738 with isoleucine.
Molecular consequence: missense variant.
Genome position (GRCh38, 1-based): chr6:56,640,420, G>A on the plus strand (C>T on the coding strand, the complement: DST is on the minus strand). VCF-style: chr6-56640420-G-A. GRCh37 (hg19) VCF-style: chr6-56505218-G-A.
Other names: c.2114C>T, p.Thr705Ile (NM_001144769.5); c.1700C>T, p.Thr567Ile (NM_001144770.2); c.2213C>T, p.Thr738Ile (NM_001374722.1); c.1580C>T, p.Thr527Ile (NM_001374729.1, NM_001374730.1, NM_001386100.1 and 1 more transcripts); c.2240C>T, p.Thr747Ile (NM_001374734.1); c.602C>T, p.Thr201Ile (NM_001723.7, NM_015548.5); short protein forms T201I, T527I, T567I, T705I, T738I, T747I.
Identifiers: ClinVar variation 3751571 (VCV003751571.2).